The following is an entry in ClinVar:

ClinVar aggregate classification (germline): Pathogenic. Review status: criteria provided, multiple submitters, no conflicts (2 of 4 stars). 2 submissions from 2 submitters: Pathogenic (2). Last evaluated 2025-05-27.

Conditions:
Central core myopathy (CMYO1A). Also called: CONGENITAL MYOPATHY 1A, AUTOSOMAL DOMINANT, WITH SUSCEPTIBILITY TO MALIGNANT HYPERTHERMIA; Central core disease; Myopathy, central fibrillar. Identifiers: Orphanet 597, MedGen C5830701, MONDO:0007294, OMIM 117000.
RYR1-related disorder. Also called: RYR1-related disorders; RYR1-related condition. Identifiers: MedGen CN239331.

Allele frequency attached by ClinVar (database versions not stated): TOPMed below 0.00001; 1000 Genomes Project 30x 0.00016.

Submissions (2):

Women's Health and Genetics/Laboratory Corporation of America, LabCorp
Classification: Pathogenic for Central Core Disease. Last evaluated: 2025-05-27. Review status: criteria provided, single submitter. Criteria: LabCorp Variant Classification Summary - May 2015. Collection method: clinical testing. Allele origin: germline.
Comment: Variant summary: RYR1 c.14752G>A (p.Asp4918Asn) results in a conservative amino acid change in the encoded protein sequence. Algorithms developed to predict the effect of missense changes on protein structure and function are either unavailable or do not agree on the potential impact of this missense change. The variant was absent in 251094 control chromosomes. c.14752G>A has been observed in multiple individuals affected with Central Core Disease (example, Kraeva_2013, Parker_2017). These data indicate that the variant is very likely to be associated with disease. At least one publication reports experimental evidence evaluating an impact on protein function (Schiemann_2016, Parker_2017). The most pronounced variant effect results in diminished intracellular Calcium levels in HEK29 cells (Parker_2017). The following publications have been ascertained in the context of this evaluation (PMID: 23183335, 28527222, 27147545). ClinVar contains an entry for this variant (Variation ID: 940673). Based on the evidence outlined above, the variant was classified as pathogenic.

Labcorp Genetics (formerly Invitae), Labcorp
Classification: Pathogenic for RYR1-related disorder. Last evaluated: 2021-06-28. Review status: criteria provided, single submitter. Criteria: Invitae Variant Classification Sherloc (09022015). Collection method: clinical testing. Allele origin: germline.
Comment: This sequence change replaces aspartic acid with asparagine at codon 4918 of the RYR1 protein (p.Asp4918Asn). The aspartic acid residue is highly conserved and there is a small physicochemical difference between aspartic acid and asparagine. This variant is not present in population databases (ExAC no frequency). This variant has been observed in individuals affected with central core disease and to segregate with disease in a family (PMID: 23183335, 28527222). This variant has been reported to affect RYR1 protein function (PMID: 23183335, 28527222). This missense change is located in a region of the RYR1 protein where a significant number of previously reported RYR1 missense mutations are found (PMID: 16084090). These observations suggest that a previously unreported missense substitution within this region may affect protein function, but experiments have not been done to test this possibility. For these reasons, this variant has been classified as Pathogenic.

Literature cited by the submitters: PubMed 23183335 (cited by Women's Health and Genetics/Laboratory Corporation of America, LabCorp and Labcorp Genetics (formerly Invitae), Labcorp); PubMed 27147545 (cited by Women's Health and Genetics/Laboratory Corporation of America, LabCorp); PubMed 28527222 (cited by Women's Health and Genetics/Laboratory Corporation of America, LabCorp and Labcorp Genetics (formerly Invitae), Labcorp); PubMed 16084090 (cited by Labcorp Genetics (formerly Invitae), Labcorp).

NM_000540.3(RYR1):c.14752G>A (p.Asp4918Asn)

Gene: RYR1 (ryanodine receptor 1; plus strand). Cytogenetic location: 19q13.2.
Variant type: single nucleotide variant.
Coding change: c.14752G>A on transcript NM_000540.3 (MANE Select); coding-DNA position 14752, G replaced by A.
Protein change: p.Asp4918Asn; replaces aspartic acid 4918 with asparagine.
Molecular consequence: missense variant.
Genome position (GRCh38, 1-based): chr19:38,585,048, G>A. VCF-style: chr19-38585048-G-A. GRCh37 (hg19) VCF-style: chr19-39075688-G-A.
Other names: c.14737G>A, p.Asp4913Asn (NM_001042723.2); short protein forms D4918N, D4913N.
Identifiers: ClinVar variation 940673 (VCV000940673.11), dbSNP rs1469916243, ClinGen allele CA405690809.